The following is an entry in ClinVar:

ClinVar aggregate classification (germline): Pathogenic. Review status: criteria provided, single submitter (1 of 4 stars). 2 submissions from 2 submitters: Pathogenic (1). 1 of the submissions does not count toward it. Last evaluated 2023-01-14.

Conditions:
Camptomelic dysplasia (CMPD). Also called: CMPD1/SRA1; Campomelic Dysplasia. Identifiers: Orphanet 140, MedGen C1861922, MONDO:0007251, OMIM 114290.
Acampomelic Campomelic Dysplasia. Identifiers: MedGen C1861923.

Submissions (2):

Labcorp Genetics (formerly Invitae), Labcorp
Classification: Pathogenic for Camptomelic dysplasia. Last evaluated: 2023-01-14. Review status: criteria provided, single submitter. Criteria: Invitae Variant Classification Sherloc (09022015). Collection method: clinical testing. Allele origin: germline.
Comment: For these reasons, this variant has been classified as Pathogenic. Advanced modeling of protein sequence and biophysical properties (such as structural, functional, and spatial information, amino acid conservation, physicochemical variation, residue mobility, and thermodynamic stability) performed at Invitae indicates that this missense variant is expected to disrupt SOX9 protein function. ClinVar contains an entry for this variant (Variation ID: 2511). This missense change has been observed in individual(s) with acampomelic dysplasia and/or clinical features of campomelic dysplasia (PMID: 10951468; Invitae). In at least one individual the variant was observed to be de novo. This variant is not present in population databases (gnomAD no frequency). This sequence change replaces lysine, which is basic and polar, with glutamic acid, which is acidic and polar, at codon 173 of the SOX9 protein (p.Lys173Glu).

OMIM
Classification: Pathogenic for ACAMPOMELIC CAMPOMELIC DYSPLASIA. Last evaluated: 2000-08-28. Review status: no assertion criteria provided. Collection method: literature only. Allele origin: germline. Not counted in ClinVar's aggregate classification.

Literature cited by the submitters: PubMed 10951468 (cited by Labcorp Genetics (formerly Invitae), Labcorp and OMIM).

NM_000346.4(SOX9):c.517A>G (p.Lys173Glu)

Gene: SOX9 (SRY-box transcription factor 9; plus strand). Cytogenetic location: 17q24.3.
Variant type: single nucleotide variant.
Coding change: c.517A>G on transcript NM_000346.4 (MANE Select); coding-DNA position 517, A replaced by G.
Protein change: p.Lys173Glu; replaces lysine 173 with glutamic acid.
Molecular consequence: missense variant.
Genome position (GRCh38, 1-based): chr17:72,122,804, A>G. VCF-style: chr17-72122804-A-G. GRCh37 (hg19) VCF-style: chr17-70118945-A-G.
Other names: short protein forms K173E.
Identifiers: ClinVar variation 2511 (VCV000002511.4), dbSNP rs104894647, ClinGen allele CA115585.